The following is an entry in ClinVar:

NM_001352514.2(HLCS):c.840C>T (p.Tyr280=)

Gene: HLCS (holocarboxylase synthetase; minus strand). Cytogenetic location: 21q22.13.
Variant type: single nucleotide variant.
Coding change: c.840C>T on transcript NM_001352514.2 (MANE Select); coding-DNA position 840, C replaced by T.
Protein change: p.Tyr280=; no amino-acid change (tyrosine 280 retained).
Molecular consequence: synonymous variant. On other transcripts: non-coding transcript variant (2).
Genome position (GRCh38, 1-based): chr21:36,937,046, G>A on the plus strand (C>T on the coding strand, the complement: HLCS is on the minus strand). VCF-style: chr21-36937046-G-A. GRCh37 (hg19) VCF-style: chr21-38309346-G-A.
Other names: c.399C>T, p.Tyr133= (NM_000411.8, NM_001242784.3, NM_001242785.2 and 4 more transcripts).
Identifiers: ClinVar variation 339968 (VCV000339968.38), dbSNP rs779907293, ClinGen allele CA10020692.

ClinVar aggregate classification (germline): Conflicting classifications of pathogenicity. Review status: criteria provided, conflicting classifications (1 of 4 stars). 3 submissions from 3 submitters: Uncertain significance (1); Likely benign (2). Last evaluated 2025-03-17.

Conditions:
Holocarboxylase synthetase deficiency. Also called: MULTIPLE CARBOXYLASE DEFICIENCY, EARLY ONSET. Identifiers: Orphanet 79242, MedGen C0268581, MONDO:0009666, OMIM 253270.

Allele frequency attached by ClinVar (database versions not stated): TOPMed below 0.00001; ExAC 0.00001; gnomAD exomes 0.00001.
gnomAD v4.1: 4 of 1,614,106 alleles (0.00025%); highest among the groups gnomAD compares: Admixed American, 0.0017%; no homozygotes.

Submissions (3):

Labcorp Genetics (formerly Invitae), Labcorp
Classification: Likely benign for Holocarboxylase synthetase deficiency. Last evaluated: 2025-03-17. Review status: criteria provided, single submitter. Criteria: Invitae Variant Classification Sherloc (09022015). Collection method: clinical testing. Allele origin: germline.

CeGaT Center for Human Genetics Tuebingen
Classification: Likely benign. Last evaluated: 2022-03-01. Review status: criteria provided, single submitter. Criteria: CeGaT Center For Human Genetics Tuebingen Variant Classification Criteria Version 2. Collection method: clinical testing. Allele origin: germline. Affected: yes. Observed: 1 variant allele.
Comment: HLCS: BP4, BP7

Illumina Laboratory Services, Illumina
Classification: Uncertain significance for Holocarboxylase synthetase deficiency. Last evaluated: 2018-01-13. Review status: criteria provided, single submitter. Criteria: ICSL Variant Classification Criteria 13 December 2019. Collection method: clinical testing. Allele origin: germline.